The following is an entry in ClinVar:

ClinVar aggregate classification (germline): Likely pathogenic (1 of 4 stars; one submission).

Conditions:
Progressive sclerosing poliodystrophy (MTDPS4A). Also called: Mitochondrial DNA depletion syndrome 4A (Alpers type); Alpers Syndrome; ALPERS DIFFUSE DEGENERATION OF CEREBRAL GRAY MATTER WITH HEPATIC CIRRHOSIS; Alpers-Huttenlocher Syndrome; NEURONAL DEGENERATION OF CHILDHOOD WITH LIVER DISEASE, PROGRESSIVE; ALPERS PROGRESSIVE INFANTILE POLIODYSTROPHY. Identifiers: Orphanet 726, MedGen C0205710, MONDO:0008758, OMIM 203700.

Submission:

Laboratory of Inherited Metabolic Diseases, Research centre for medical genetics
Classification: Likely pathogenic for Progressive sclerosing poliodystrophy. Last evaluated: 2019-07-17. Review status: criteria provided, single submitter. Criteria: ACMG Guidelines, 2015. Collection method: clinical testing. Allele origin: germline. Inheritance: Autosomal recessive inheritance. Affected: yes.
Comment: found in compound heterozygous with c.1399G>A (p.Ala467Thr)

NM_002693.3(POLG):c.2665G>C (p.Ala889Pro)

Gene: POLG (DNA polymerase gamma, catalytic subunit; minus strand). Cytogenetic location: 15q26.1.
Variant type: single nucleotide variant.
Coding change: c.2665G>C on transcript NM_002693.3 (MANE Select); coding-DNA position 2665, G replaced by C.
Protein change: p.Ala889Pro; replaces alanine 889 with proline.
Molecular consequence: missense variant.
Genome position (GRCh38, 1-based): chr15:89,321,194, C>G on the plus strand (G>C on the coding strand, the complement: POLG is on the minus strand). VCF-style: chr15-89321194-C-G. GRCh37 (hg19) VCF-style: chr15-89864425-C-G.
Other names: c.2665G>C, p.Ala889Pro (NM_001126131.2); short protein forms A889P.
Identifiers: ClinVar variation 694429 (VCV000694429.1), dbSNP rs763393580, ClinGen allele CA393753749.
Genomic context (GRCh38, chr15:89,321,194, plus strand): 5'-CGGCAAAGTGGGCGTCTCCAAGCACAGCTGCAATCCACAGCTCTTGGGAGTCCACATCAG[C>G]ACCCACAAGGGTGTAGCCAGGTGGGGCCTGCACCATGGCTTTCAACTCACTGCCTACTCG-3'
Protein context (NP_002684.1, residues 879-899): QAPPGYTLVG[Ala889Pro]DVDSQELWIA